The following is an entry in ClinVar:

NM_020708.5(SLC12A5):c.3146G>A (p.Arg1049His)

Gene: SLC12A5 (solute carrier family 12 member 5; plus strand). Cytogenetic location: 20q13.12.
Variant type: single nucleotide variant.
Coding change: c.3146G>A on transcript NM_020708.5 (MANE Select); coding-DNA position 3146, G replaced by A.
Protein change: p.Arg1049His; replaces arginine 1049 with histidine.
Molecular consequence: missense variant.
Genome position (GRCh38, 1-based): chr20:46,057,190, G>A. VCF-style: chr20-46057190-G-A. GRCh37 (hg19) VCF-style: chr20-44685829-G-A.
Other names: c.3215G>A, p.Arg1072His (NM_001134771.2); short protein forms R1049H, R1072H.
Identifiers: ClinVar variation 2628447 (VCV002628447.15), dbSNP rs2515654948, ClinGen allele CA409209337.

ClinVar aggregate classification (germline): Uncertain significance. Review status: criteria provided, multiple submitters, no conflicts (2 of 4 stars). 2 submissions from 2 submitters: Uncertain significance (2). Last evaluated 2024-09-01.

Conditions:
SLC12A5-related disorder. Also called: SLC12A5-related condition.

Submissions (2):

CeGaT Center for Human Genetics Tuebingen
Classification: Uncertain significance. Last evaluated: 2024-09-01. Review status: criteria provided, single submitter. Criteria: CeGaT Center For Human Genetics Tuebingen Variant Classification Criteria Version 2. Collection method: clinical testing. Allele origin: germline. Affected: yes. Observed: 1 variant allele.
Comment: SLC12A5: PM2, PM5:Supporting, PP2

PreventionGenetics, part of Exact Sciences
Classification: Uncertain significance for SLC12A5-related condition. Last evaluated: 2022-09-22. Review status: criteria provided, single submitter. Criteria: ACMG Guidelines, 2015. Collection method: clinical testing. Allele origin: germline.
Comment: The SLC12A5 c.3146G>A variant is predicted to result in the amino acid substitution p.Arg1049His. To our knowledge, this variant has not been reported in the literature or in a large population database, indicating this variant is rare. A different amino acid change at this position (p.Arg1049Cys) was reported in 3 patients with idopathic generalized epilepsy; however, in two of these cases it was maternally inherited (Kahle et al. 2014. PubMed ID: 24928908). The p.Arg1049Cys was also detected in an autism spectrum disorder cohort study (Merner et al. 2015. PubMed ID: 26528127). At this time, the clinical significance of this variant is uncertain due to the absence of conclusive functional and genetic evidence.